The following is an entry in ClinVar:

NM_007294.4(BRCA1):c.5278-5T>C

Gene: BRCA1 (BRCA1 DNA repair associated; minus strand). Cytogenetic location: 17q21.31.
Variant type: single nucleotide variant.
Coding change: c.5278-5T>C on transcript NM_007294.4 (MANE Select); 5 bases into the intron before coding-DNA position 5278, T replaced by C.
Molecular consequence: intron variant.
Genome position (GRCh38, 1-based): chr17:43,051,122, A>G on the plus strand (T>C on the coding strand, the complement: BRCA1 is on the minus strand). VCF-style: chr17-43051122-A-G. GRCh37 (hg19) VCF-style: chr17-41203139-A-G.
Other names: c.5338-5T>C (NM_001407591.1, NM_001407590.1); c.1843-5T>C (NM_001408441.1, NM_001408437.1, NM_001408442.1 and 10 more transcripts); c.1846-5T>C (NM_001408429.1, NM_001408426.1, NM_001408430.1 and 4 more transcripts); c.5149-5T>C (NM_001407683.1, NM_001407686.1, NM_001407685.1 and 6 more transcripts); c.5152-5T>C (NM_001407674.1, NM_001407939.1, NM_001407677.1 and 10 more transcripts); c.5155-3419T>C (NM_001407919.1); c.5155-5T>C (NM_001407937.1, NM_001407669.1, NM_001407665.1 and 5 more transcripts); c.1966-5T>C (NM_001407979.1, NM_001407982.1, NM_001407980.1 and 12 more transcripts); and 74 more.
Identifiers: ClinVar variation 867944 (VCV000867944.3), dbSNP rs2051216016, ClinGen allele CA916081054.
Genomic context (GRCh38, chr17:43,051,122, plus strand): 5'-CCTGTGGGCATGTTGGTGAAGGGCCCATAGCAACAGATTTCTAGCCCCCTGAAGATCTGG[A>G]AGAAGAGAGGAAGAGAGAGGGACAGGGGAATGGAGAGAAGGAAAATCTAGTTATAAAAGA-3'

Conditions:
Breast-ovarian cancer, familial, susceptibility to, 1 (BROVCA1). Also called: BRCA1 Hereditary Breast and Ovarian Cancer; OVARIAN CANCER, SUSCEPTIBILITY TO. Identifiers: Orphanet 145, MedGen C2676676, MONDO:0011450, OMIM 604370. Disease mechanism: loss of function.

Submission:

Brotman Baty Institute, University of Washington
No classification provided (evidence only). Condition: Breast-ovarian cancer, familial 1. Review status: no classification provided. Collection method: in vitro. Allele origin: not applicable. Functional consequence: functionally_normal.
ClinVar note: "not provided" was previously submitted as the classification for the variant. However, the classification appeared to be based only on an observation of functional data so it was converted to no classification on 2025-07-30.